The following is an entry in ClinVar:

NM_000170.3(GLDC):c.*5C>G

Gene: GLDC (glycine decarboxylase; minus strand). Cytogenetic location: 9p24.1.
Variant type: single nucleotide variant.
Coding change: c.*5C>G on transcript NM_000170.3 (MANE Select); 5 bases downstream of the stop codon, C replaced by G.
Molecular consequence: 3 prime UTR variant.
Genome position (GRCh38, 1-based): chr9:6,533,012, G>C on the plus strand (C>G on the coding strand, the complement: GLDC is on the minus strand). VCF-style: chr9-6533012-G-C. GRCh37 (hg19) VCF-style: chr9-6533012-G-C.
Identifiers: ClinVar variation 367170 (VCV000367170.7), dbSNP rs764814250, ClinGen allele CA4979964.

ClinVar aggregate classification (germline): Conflicting classifications of pathogenicity. Review status: criteria provided, conflicting classifications (1 of 4 stars). 3 submissions from 3 submitters: Uncertain significance (1); Likely benign (1). 1 of the submissions does not count toward it. Last evaluated 2025-03-11.

Conditions:
Glycine encephalopathy 1 (GCE1). Identifiers: MedGen CN376801, MONDO:0958179, OMIM 605899.
Glycine encephalopathy. Also called: Nonketotic hyperglycinemia; Non-ketotic hyperglycinemia. Identifiers: Orphanet 407, MedGen C0751748, MONDO:0011612, HP:0008288.

Allele frequency attached by ClinVar (database versions not stated): gnomAD 0.00001; TOPMed 0.00003.
gnomAD v4.1: 48 of 1,601,912 alleles (0.003%); highest among the groups gnomAD compares: African/African-American, 0.0054%; no homozygotes.

Submissions (3):

Mayo Clinic Laboratories, Mayo Clinic
Classification: Likely benign. Last evaluated: 2025-03-11. Review status: criteria provided, single submitter. Criteria: ACMG Guidelines, 2015. Collection method: clinical testing. Allele origin: germline. Observed: 1 variant allele.
Comment: BP4, BP7

Illumina Laboratory Services, Illumina
Classification: Uncertain significance for Glycine encephalopathy 1. Last evaluated: 2018-01-13. Review status: criteria provided, single submitter. Criteria: ICSL Variant Classification Criteria 13 December 2019. Collection method: clinical testing. Allele origin: germline.

Counsyl
Classification: Uncertain significance for Glycine encephalopathy 1. Last evaluated: 2018-04-06. Review status: no assertion criteria provided. Collection method: clinical testing. Allele origin: unknown. Not counted in ClinVar's aggregate classification.